The following is an entry in ClinVar:

ClinVar aggregate classification (germline): Benign (1 of 4 stars; one submission).

Allele frequency attached by ClinVar (database versions not stated): 1000 Genomes Project 30x 0.31465; 1000 Genomes Project 0.31649; TOPMed 0.32978; gnomAD 0.34115 and 0.34303.
gnomAD v4.1: 52,107 of 151,716 alleles (34%); highest among the groups gnomAD compares: South Asian, 41%; 9,276 homozygotes.

Submission:

GeneDx
Classification: Benign. Last evaluated: 2018-06-14. Review status: criteria provided, single submitter. Criteria: GeneDx Variant Classification (06012015). Collection method: clinical testing. Allele origin: germline. Affected: yes.
Comment: This variant is considered likely benign or benign based on one or more of the following criteria: it is a conservative change, it occurs at a poorly conserved position in the protein, it is predicted to be benign by multiple in silico algorithms, and/or has population frequency not consistent with disease.

NM_001377.3(DYNC2H1):c.11650-176A>C

Gene: DYNC2H1 (dynein cytoplasmic 2 heavy chain 1; plus strand). Cytogenetic location: 11q22.3.
Variant type: single nucleotide variant.
Coding change: c.11650-176A>C on transcript NM_001377.3 (MANE Select); 176 bases into the intron before coding-DNA position 11650, A replaced by C.
Molecular consequence: intron variant.
Genome position (GRCh38, 1-based): chr11:103,316,369, A>C. VCF-style: chr11-103316369-A-C. GRCh37 (hg19) VCF-style: chr11-103187098-A-C.
Other names: c.11671-176A>C (NM_001080463.2).
Identifiers: ClinVar variation 667782 (VCV000667782.1), dbSNP rs34010962, ClinGen allele CA227431363.